The following is an entry in ClinVar:

NM_001365276.2(TNXB):c.10096G>T (p.Ala3366Ser)

Gene: TNXB (tenascin XB; minus strand). Cytogenetic location: 6p21.33.
Variant type: single nucleotide variant.
Coding change: c.10096G>T on transcript NM_001365276.2 (MANE Select); coding-DNA position 10096, G replaced by T.
Protein change: p.Ala3366Ser; replaces alanine 3366 with serine.
Molecular consequence: missense variant.
Genome position (GRCh38, 1-based): chr6:32,047,962, C>A on the plus strand (G>T on the coding strand, the complement: TNXB is on the minus strand). VCF-style: chr6-32047962-C-A. GRCh37 (hg19) VCF-style: chr6-32015739-C-A.
Other names: c.10090G>T, p.Ala3364Ser (NM_019105.8); short protein forms A3366S, A3364S.
Identifiers: ClinVar variation 1793055 (VCV001793055.2), dbSNP rs1184366522, ClinGen allele CA363532455.

ClinVar aggregate classification (germline): Uncertain significance (1 of 4 stars; one submission).

Conditions:
Cardiovascular phenotype. Identifiers: MedGen CN230736.

Allele frequency attached by ClinVar (database versions not stated): TOPMed 0.00001.

Submission:

Ambry Genetics
Classification: Uncertain significance for Cardiovascular phenotype. Last evaluated: 2021-08-14. Review status: criteria provided, single submitter. Criteria: Ambry Variant Classification Scheme 2023. Collection method: clinical testing. Allele origin: germline.
Comment: The p.A3364S variant (also known as c.10090G>T), located in coding exon 29 of the TNXB gene, results from a G to T substitution at nucleotide position 10090. The alanine at codon 3364 is replaced by serine, an amino acid with similar properties. This amino acid position is conserved. In addition, this alteration is predicted to be tolerated by in silico analysis. Since supporting evidence is limited at this time, the clinical significance of this alteration remains unclear.